The following is an entry in ClinVar:

NM_001142966.3(GREB1L):c.4223A>G (p.Lys1408Arg)

Gene: GREB1L (GREB1 like retinoic acid receptor coactivator; plus strand). Cytogenetic location: 18q11.2.
Variant type: single nucleotide variant.
Coding change: c.4223A>G on transcript NM_001142966.3 (MANE Select); coding-DNA position 4223, A replaced by G.
Protein change: p.Lys1408Arg; replaces lysine 1408 with arginine.
Molecular consequence: missense variant.
Genome position (GRCh38, 1-based): chr18:21,505,562, A>G. VCF-style: chr18-21505562-A-G. GRCh37 (hg19) VCF-style: chr18-19085523-A-G.
Other names: c.4352A>G, p.Lys1451Arg (NM_001410867.1); c.3896A>G, p.Lys1299Arg (NM_001410868.1); short protein forms K1408R, K1299R, K1451R.
Identifiers: ClinVar variation 5002884 (VCV005002884.1).

ClinVar aggregate classification (germline): Uncertain significance (1 of 4 stars; one submission).

Conditions:
Hearing loss, autosomal dominant 80. Also called: DEAFNESS, AUTOSOMAL DOMINANT 80. Identifiers: MedGen C5543289, MONDO:0030998, OMIM 619274.

Submission:

OLLIN Analises Genomicas, OLLIN
Classification: Uncertain significance for Hearing loss, autosomal dominant 80. Last evaluated: 2026-08-06. Review status: criteria provided, single submitter. Criteria: ACMG Guidelines 2015 PMID 25741868. Collection method: clinical testing. Allele origin: germline. Inheritance: Autosomal dominant inheritance.
Comment: This missense variant, located in exon 24 (of 33), is absent from gnomAD and ClinVar and has not been identified in the literature. In silico analysis predicts that this variant has a tolerated effect. According to the currently available evidence, this variant has been classified as uncertain significance (PM2_P, BP4_M).